The following is an entry in ClinVar:

ClinVar aggregate classification (germline): Likely benign (0 of 4 stars; one submission).

Submission:

Genetic Services Laboratory, University of Chicago
Classification: Likely benign. Review status: no assertion criteria provided. Collection method: clinical testing. Allele origin: germline. Inheritance: Autosomal recessive inheritance.
Comment: Likely benign based on allele frequency in 1000 Genomes Project or ESP global frequency and its presence in a patient with a rare or unrelated disease phenotype. NOT Sanger confirmed

NM_001077446.4(TSEN34):c.-33G>C

Gene: TSEN34 (tRNA splicing endonuclease subunit 34; plus strand). Cytogenetic location: 19q13.42.
Variant type: single nucleotide variant.
Coding change: c.-33G>C on transcript NM_001077446.4 (MANE Select); 33 bases upstream of the start codon, G replaced by C.
Molecular consequence: 5 prime UTR variant. On other transcripts: intron variant (4).
Genome position (GRCh38, 1-based): chr19:54,191,332, G>C. VCF-style: chr19-54191332-G-C. GRCh37 (hg19) VCF-style: chr19-54695183-G-C.
Other names: c.-4-29G>C (NM_024075.5, NM_001386740.1, NM_001282333.2 and 1 more transcripts).
Identifiers: ClinVar variation 160118 (VCV000160118.6), dbSNP rs587784471, ClinGen allele CA173693.